The following is an entry in ClinVar:

NM_013276.4(SHPK):c.1352C>T (p.Pro451Leu)

Gene: SHPK (sedoheptulokinase; minus strand). Cytogenetic location: 17p13.2.
Variant type: single nucleotide variant.
Coding change: c.1352C>T on transcript NM_013276.4 (MANE Select); coding-DNA position 1352, C replaced by T.
Protein change: p.Pro451Leu; replaces proline 451 with leucine.
Molecular consequence: missense variant.
Genome position (GRCh38, 1-based): chr17:3,610,645, G>A on the plus strand (C>T on the coding strand, the complement: SHPK is on the minus strand). VCF-style: chr17-3610645-G-A. GRCh37 (hg19) VCF-style: chr17-3513939-G-A.
Other names: short protein forms P451L.
Identifiers: ClinVar variation 1433597 (VCV001433597.9), dbSNP rs748985570, ClinGen allele CA8291034.

ClinVar aggregate classification (germline): Uncertain significance (1 of 4 stars; one submission).

Allele frequency attached by ClinVar (database versions not stated): gnomAD 0.00002 and 0.00003; ExAC 0.00003; gnomAD exomes 0.00003 and 0.00004; TOPMed 0.00003.
gnomAD v4.1: 20 of 1,613,838 alleles (0.0012%); highest among the groups gnomAD compares: Admixed American, 0.032%; no homozygotes.

Submission:

Labcorp Genetics (formerly Invitae), Labcorp
Classification: Uncertain significance. Last evaluated: 2025-02-27. Review status: criteria provided, single submitter. Criteria: Invitae Variant Classification Sherloc (09022015). Collection method: clinical testing. Allele origin: germline.
Comment: This sequence change replaces proline, which is neutral and non-polar, with leucine, which is neutral and non-polar, at codon 451 of the SHPK protein (p.Pro451Leu). This variant is present in population databases (rs748985570, gnomAD 0.03%). This variant has not been reported in the literature in individuals affected with SHPK-related conditions. ClinVar contains an entry for this variant (Variation ID: 1433597). An algorithm developed to predict the effect of missense changes on protein structure and function outputs the following: PolyPhen-2: "Benign". The leucine amino acid residue is found in multiple mammalian species, which suggests that this missense change does not adversely affect protein function. In summary, the available evidence is currently insufficient to determine the role of this variant in disease. Therefore, it has been classified as a Variant of Uncertain Significance.